The following is an entry in ClinVar:

NM_021224.6(ZNF462):c.3700C>G (p.Arg1234Gly)

Gene: ZNF462 (zinc finger protein 462; plus strand). Cytogenetic location: 9q31.2.
Variant type: single nucleotide variant.
Coding change: c.3700C>G on transcript NM_021224.6 (MANE Select); coding-DNA position 3700, C replaced by G.
Protein change: p.Arg1234Gly; replaces arginine 1234 with glycine.
Molecular consequence: missense variant. On other transcripts: intron variant (1).
Genome position (GRCh38, 1-based): chr9:106,927,612, C>G. VCF-style: chr9-106927612-C-G. GRCh37 (hg19) VCF-style: chr9-109689893-C-G.
Other names: c.3252+448C>G (NM_001347997.2); short protein forms R1234G.
Identifiers: ClinVar variation 3381352 (VCV003381352.1).

ClinVar aggregate classification (germline): Uncertain significance (1 of 4 stars; one submission).

Submission:

GeneDx
Classification: Uncertain significance. Last evaluated: 2024-05-24. Review status: criteria provided, single submitter. Criteria: GeneDx Variant Classification Process June 2021. Collection method: clinical testing. Allele origin: germline. Affected: yes.
Comment: Not observed at significant frequency in large population cohorts (gnomAD); In silico analysis supports that this missense variant has a deleterious effect on protein structure/function; Has not been previously published as pathogenic or benign to our knowledge